The following is an entry in ClinVar:

ClinVar aggregate classification (germline): Uncertain significance (1 of 4 stars; one submission).

Allele frequency attached by ClinVar (database versions not stated): gnomAD 0.00001; gnomAD exomes 0.00001 and 0.00002; TOPMed 0.00001; ExAC 0.00002.
gnomAD v4.1: 25 of 1,608,818 alleles (0.0016%); highest among the groups gnomAD compares: Non-Finnish European, 0.002%; no homozygotes.

Submission:

Labcorp Genetics (formerly Invitae), Labcorp
Classification: Uncertain significance. Last evaluated: 2023-10-05. Review status: criteria provided, single submitter. Criteria: Invitae Variant Classification Sherloc (09022015). Collection method: clinical testing. Allele origin: germline.
Comment: This sequence change replaces serine, which is neutral and polar, with alanine, which is neutral and non-polar, at codon 47 of the ANKZF1 protein (p.Ser47Ala). This variant is present in population databases (rs767129944, gnomAD 0.007%). This variant has not been reported in the literature in individuals affected with ANKZF1-related conditions. ClinVar contains an entry for this variant (Variation ID: 1357776). An algorithm developed to predict the effect of missense changes on protein structure and function (PolyPhen-2) suggests that this variant is likely to be tolerated. In summary, the available evidence is currently insufficient to determine the role of this variant in disease. Therefore, it has been classified as a Variant of Uncertain Significance.

NM_018089.3(ANKZF1):c.139T>G (p.Ser47Ala)

Gene: ANKZF1 (ankyrin repeat and zinc finger peptidyl tRNA hydrolase 1; plus strand). Cytogenetic location: 2q35.
Variant type: single nucleotide variant.
Coding change: c.139T>G on transcript NM_018089.3 (MANE Select); coding-DNA position 139, T replaced by G.
Protein change: p.Ser47Ala; replaces serine 47 with alanine.
Molecular consequence: missense variant. On other transcripts: intron variant (1).
Genome position (GRCh38, 1-based): chr2:219,230,396, T>G. VCF-style: chr2-219230396-T-G. GRCh37 (hg19) VCF-style: chr2-220095118-T-G.
Other names: c.139T>G, p.Ser47Ala (NM_001042410.2); c.-267+496T>G (NM_001282792.2); c.139T>G (NM_018089.2); short protein forms S47A.
Identifiers: ClinVar variation 1357776 (VCV001357776.7), dbSNP rs767129944, ClinGen allele CA2120610.